The following is an entry in ClinVar:

NM_020376.4(PNPLA2):c.662G>A (p.Arg221His)

Gene: PNPLA2 (patatin like domain 2, triacylglycerol lipase; plus strand). Cytogenetic location: 11p15.5.
Variant type: single nucleotide variant.
Coding change: c.662G>A on transcript NM_020376.4 (MANE Select); coding-DNA position 662, G replaced by A.
Protein change: p.Arg221His; replaces arginine 221 with histidine.
Molecular consequence: missense variant.
Genome position (GRCh38, 1-based): chr11:822,572, G>A. VCF-style: chr11-822572-G-A. GRCh37 (hg19) VCF-style: chr11-822572-G-A.
Other names: short protein forms R221H.
Identifiers: ClinVar variation 1363167 (VCV001363167.7), dbSNP rs554737718, ClinGen allele CA5791080.
Genomic context (GRCh38, chr11:822,572, plus strand): 5'-ACATCCACGAGCTGCGGGTCACCAACACCAGCATCCAGTTCAACCTGCGCAACCTCTACC[G>A]CCTCTCCAAGGCCCTCTTCCCGCCGGAGCCCCTGGTGAGCTCTGCTCCGAGGACTGTGGC-3'
Protein context (NP_065109.1, residues 211-231): SIQFNLRNLY[Arg221His]LSKALFPPEP

ClinVar aggregate classification (germline): Uncertain significance. Review status: criteria provided, multiple submitters, no conflicts (2 of 4 stars). 2 submissions from 2 submitters: Uncertain significance (2). Last evaluated 2025-11-23.

Conditions:
Neutral lipid storage myopathy (NLSDM). Also called: NEUTRAL LIPID STORAGE DISEASE WITHOUT ICHTHYOSIS. Identifiers: Orphanet 98908, MedGen C1853136, MONDO:0012545, OMIM 610717.

Allele frequency attached by ClinVar (database versions not stated): gnomAD 0.00002 and 0.00003; gnomAD exomes 0.00002; ExAC 0.00003; 1000 Genomes Project 30x 0.00016; 1000 Genomes Project 0.00020.
gnomAD v4.1: 15 of 1,613,876 alleles (0.00093%); highest among the groups gnomAD compares: African/African-American, 0.0093%; no homozygotes.

Submissions (2):

GeneDx
Classification: Uncertain significance. Last evaluated: 2025-11-23. Review status: criteria provided, single submitter. Criteria: GeneDx Variant Classification Process June 2021. Collection method: clinical testing. Allele origin: germline. Affected: yes.
Comment: In silico analysis supports that this missense variant has a deleterious effect on protein structure/function; Has not been previously published as pathogenic or benign to our knowledge

Labcorp Genetics (formerly Invitae), Labcorp
Classification: Uncertain significance for Neutral lipid storage myopathy. Last evaluated: 2022-08-06. Review status: criteria provided, single submitter. Criteria: Invitae Variant Classification Sherloc (09022015). Collection method: clinical testing. Allele origin: germline.
Comment: In summary, the available evidence is currently insufficient to determine the role of this variant in disease. Therefore, it has been classified as a Variant of Uncertain Significance. This variant disrupts the p.Arg221 amino acid residue in PNPLA2. Other variant(s) that disrupt this residue have been determined to be pathogenic (PMID: 22990388, 28391974; Invitae). This suggests that this residue is clinically significant, and that variants that disrupt this residue are likely to be disease-causing. Algorithms developed to predict the effect of missense changes on protein structure and function (SIFT, PolyPhen-2, Align-GVGD) all suggest that this variant is likely to be disruptive. ClinVar contains an entry for this variant (Variation ID: 1363167). This variant has not been reported in the literature in individuals affected with PNPLA2-related conditions. This variant is present in population databases (rs554737718, gnomAD 0.03%). This sequence change replaces arginine, which is basic and polar, with histidine, which is basic and polar, at codon 221 of the PNPLA2 protein (p.Arg221His).

Literature cited by the submitters: PubMed 22990388 (cited by Labcorp Genetics (formerly Invitae), Labcorp); PubMed 28391974 (cited by Labcorp Genetics (formerly Invitae), Labcorp).